The following is an entry in ClinVar:

NM_031844.3(HNRNPU):c.1744-13T>G

Gene: HNRNPU (heterogeneous nuclear ribonucleoprotein U; minus strand). Cytogenetic location: 1q44.
Variant type: single nucleotide variant.
Coding change: c.1744-13T>G on transcript NM_031844.3 (MANE Select); 13 bases into the intron before coding-DNA position 1744, T replaced by G.
Molecular consequence: intron variant.
Genome position (GRCh38, 1-based): chr1:244,856,638, A>C on the plus strand (T>G on the coding strand, the complement: HNRNPU is on the minus strand). VCF-style: chr1-244856638-A-C. GRCh37 (hg19) VCF-style: chr1-245019940-A-C.
Other names: c.1687-13T>G (NM_004501.3).
Identifiers: ClinVar variation 4692293 (VCV004692293.1).

ClinVar aggregate classification (germline): Uncertain significance (1 of 4 stars; one submission).

Conditions:
Developmental and epileptic encephalopathy, 54. Also called: HNRNPU-Related Neurodevelopmental Disorder; Epileptic encephalopathy, early infantile, 54. Identifiers: MedGen C4479319, MONDO:0033363, OMIM 617391.

Submission:

Labcorp Genetics (formerly Invitae), Labcorp
Classification: Uncertain significance for Developmental and epileptic encephalopathy, 54. Last evaluated: 2025-10-28. Review status: criteria provided, single submitter. Criteria: Invitae Variant Classification Sherloc (09022015). Collection method: clinical testing. Allele origin: germline.
Comment: This sequence change falls in intron 9 of the HNRNPU gene. It does not directly change the encoded amino acid sequence of the HNRNPU protein. This variant is not present in population databases (gnomAD no frequency). This variant has not been reported in the literature in individuals affected with HNRNPU-related conditions. Algorithms developed to predict the effect of sequence changes on RNA splicing suggest that this variant may create or strengthen a splice site. In summary, the available evidence is currently insufficient to determine the role of this variant in disease. Therefore, it has been classified as a Variant of Uncertain Significance.